The following is an entry in ClinVar:

ClinVar aggregate classification (germline): Pathogenic (1 of 4 stars; one submission).

Conditions:
Short-rib thoracic dysplasia 6 with or without polydactyly (SRTD6). Also called: Majewski Syndrome; POLYDACTYLY WITH NEONATAL CHONDRODYSTROPHY, TYPE II; SHORT-RIB THORACIC DYSPLASIA 6 WITH POLYDACTYLY; SHORT-RIB THORACIC DYSPLASIA 6 WITHOUT POLYDACTYLY; SHORT RIB-POLYDACTYLY SYNDROME, TYPE IIA. Identifiers: MedGen C0024507, MONDO:0009894, OMIM 263520.

Submission:

Labcorp Genetics (formerly Invitae), Labcorp
Classification: Pathogenic for Short-rib thoracic dysplasia 6 with or without polydactyly. Last evaluated: 2022-08-10. Review status: criteria provided, single submitter. Criteria: Invitae Variant Classification Sherloc (09022015). Collection method: clinical testing. Allele origin: germline.
Comment: A gross deletion of the genomic region encompassing the full coding sequence of the NEK1 gene has been identified. Loss-of-function variants in NEK1 are known to be pathogenic (PMID: 22499340, 29068549). The boundaries of this event are unknown as they extend beyond the assayed region for this gene and therefore may encompass additional genes. This variant has not been reported in the literature in individuals affected with NEK1-related conditions. For these reasons, this variant has been classified as Pathogenic.

Literature cited by the submitters: PubMed 22499340; PubMed 29068549.

NC_000004.11:g.(?_169433478)_(170523781_?)del

Genes: PALLD (palladin, cytoskeletal associated protein; plus strand), SH3RF1 (SH3 domain containing ring finger 1; minus strand), CBR4 (carbonyl reductase 4; minus strand), NEK1 (NIMA related kinase 1; minus strand). Cytogenetic location: 4q32.3-33.
Variant type: Deletion.
Identifiers: ClinVar variation 2425779 (VCV002425779.3).